The following is an entry in ClinVar:

ClinVar aggregate classification (germline): Uncertain significance (1 of 4 stars; one submission).

Conditions:
Bardet-Biedl syndrome 12 (BBS12). Identifiers: Orphanet 110, MedGen C1859570, MONDO:0014440, OMIM 615989.

Submission:

Myriad Genetics, Inc.
Classification: Uncertain significance for Bardet-Biedl syndrome 12. Last evaluated: 2026-04-21. Review status: criteria provided, single submitter. Criteria: Myriad Autosomal Dominant, Autosomal Recessive and X-Linked Classification Criteria (2023). Collection method: clinical testing. Allele origin: unknown.
Comment: NM_152618.2(BBS12):c.1167_1169delAGA(E389del) is an in-frame deletion classified as a variant of uncertain significance in the context of Bardet-Biedl syndrome, BBS12-related. E389del has not been observed in cases with relevant disease. Relevant functional assessments of this variant are not available in the literature. E389del has not been observed in referenced population frequency databases. In summary, there is insufficient evidence to classify NM_152618.2(BBS12):c.1167_1169delAGA(E389del) as pathogenic or benign. Please note: this variant was assessed in the context of healthy population screening.

NM_152618.3(BBS12):c.1164AGA[1] (p.Glu389del)

Gene: BBS12 (Bardet-Biedl syndrome 12; plus strand). Cytogenetic location: 4q27.
Variant type: Microsatellite.
Coding change: c.1164AGA[1] on transcript NM_152618.3 (MANE Select); one copy of the 3-base unit AGA starting at c.1164; the reference has two copies in a row; one copy, 3 bases deleted.
Protein change: p.Glu389del; deletes glutamic acid 389.
Molecular consequence: inframe deletion.
Genome position (GRCh38, 1-based): chr4:122,743,059-122,743,061, AGA deleted; deleting any 3 consecutive bases within chr4:122,743,055-122,743,061 gives the same sequence; the position shown is the placement nearest the transcript's 3' end. VCF-style (leftmost placement, unchanged base first): chr4-122743054-CAAG-C. GRCh37 (hg19) VCF-style: chr4-123664209-CAAG-C.
Other names: c.1164AGA[1], p.Glu389del (NM_001178007.2); short protein forms E389del.
Identifiers: ClinVar variation 5003798 (VCV005003798.1).